The following is an entry in ClinVar:

NM_004415.4(DSP):c.2963C>T (p.Pro988Leu)

Gene: DSP (desmoplakin; plus strand). Cytogenetic location: 6p24.3.
Variant type: single nucleotide variant.
Coding change: c.2963C>T on transcript NM_004415.4 (MANE Select); coding-DNA position 2963, C replaced by T.
Protein change: p.Pro988Leu; replaces proline 988 with leucine.
Molecular consequence: missense variant.
Genome position (GRCh38, 1-based): chr6:7,577,864, C>T. VCF-style: chr6-7577864-C-T. GRCh37 (hg19) VCF-style: chr6-7578097-C-T.
Other names: c.2963C>T (NM_004415.2); c.2963C>T, p.Pro988Leu (NM_001008844.3, NM_001319034.2); short protein forms P988L.
Identifiers: ClinVar variation 1677949 (VCV001677949.5), dbSNP rs2113689067, ClinGen allele CA362682532.

ClinVar aggregate classification (germline): Uncertain significance. Review status: criteria provided, multiple submitters, no conflicts (2 of 4 stars). 3 submissions from 3 submitters: Uncertain significance (3). Last evaluated 2025-07-15.

Conditions:
Arrhythmogenic cardiomyopathy with wooly hair and keratoderma. Also called: Dilated cardiomyopathy with woolly hair and keratoderma; PALMOPLANTAR KERATODERMA WITH LEFT VENTRICULAR CARDIOMYOPATHY AND WOOLLY HAIR; Arrhythmogenic cardiomyopathy with woolly hair and keratoderma; Carvajal syndrome. Identifiers: Orphanet 65282, MedGen C1854063, MONDO:0011581, OMIM 605676.
Arrhythmogenic right ventricular dysplasia 8 (ARVD8). Also called: Arrhythmogenic Right Ventricular Dysplasia/Cardiomyopathy 8; ARRHYTHMOGENIC RIGHT VENTRICULAR CARDIOMYOPATHY 8; ARRHYTHMOGENIC RIGHT VENTRICULAR DYSPLASIA, FAMILIAL, 8. Identifiers: MedGen C1843896, MONDO:0011831, OMIM 607450.

Submissions (3):

GeneDx
Classification: Uncertain significance. Last evaluated: 2025-07-15. Review status: criteria provided, single submitter. Criteria: GeneDx Variant Classification Process June 2021. Collection method: clinical testing. Allele origin: germline. Affected: yes.
Comment: Not observed at significant frequency in large population cohorts (gnomAD); In silico analysis supports that this missense variant has a deleterious effect on protein structure/function; Has not been previously published as pathogenic or benign to our knowledge

Labcorp Genetics (formerly Invitae), Labcorp
Classification: Uncertain significance for Arrhythmogenic cardiomyopathy with wooly hair and keratoderma; Arrhythmogenic right ventricular dysplasia 8. Last evaluated: 2024-02-19. Review status: criteria provided, single submitter. Criteria: Invitae Variant Classification Sherloc (09022015). Collection method: clinical testing. Allele origin: germline.
Comment: This sequence change replaces proline, which is neutral and non-polar, with leucine, which is neutral and non-polar, at codon 988 of the DSP protein (p.Pro988Leu). This variant is not present in population databases (gnomAD no frequency). This variant has not been reported in the literature in individuals affected with DSP-related conditions. ClinVar contains an entry for this variant (Variation ID: 1677949). An algorithm developed to predict the effect of missense changes on protein structure and function (PolyPhen-2) suggests that this variant is likely to be disruptive. In summary, the available evidence is currently insufficient to determine the role of this variant in disease. Therefore, it has been classified as a Variant of Uncertain Significance.

AiLife Diagnostics
Classification: Uncertain significance. Last evaluated: 2022-02-18. Review status: criteria provided, single submitter. Criteria: ACMG Guidelines, 2015. Collection method: clinical testing. Allele origin: germline. Affected: yes. Observed: 1 variant allele.